The following is an entry in ClinVar:

ClinVar aggregate classification (germline): Likely benign. Review status: criteria provided, multiple submitters, no conflicts (2 of 4 stars). 4 submissions from 4 submitters: Likely benign (4). Last evaluated 2025-11-16.

Conditions:
Hereditary pulmonary alveolar proteinosis. Also called: Pulmonary surfactant metabolism dysfunction. Identifiers: Orphanet 264675, MedGen C3711368, MONDO:0012580.

Allele frequency attached by ClinVar (database versions not stated): ExAC 0.00001; gnomAD exomes 0.00002; TOPMed 0.00002; gnomAD 0.00003 and 0.00004.
gnomAD v4.1: 53 of 1,611,248 alleles (0.0033%); highest among the groups gnomAD compares: Middle Eastern, 0.016%; no homozygotes.

Submissions (4):

Labcorp Genetics (formerly Invitae), Labcorp
Classification: Likely benign. Last evaluated: 2025-11-16. Review status: criteria provided, single submitter. Criteria: Invitae Variant Classification Sherloc (09022015). Collection method: clinical testing. Allele origin: germline.

Blueprint Genetics
Classification: Likely benign. Last evaluated: 2024-03-16. Review status: criteria provided, single submitter. Criteria: ACMG Guidelines, 2015. Collection method: clinical testing. Allele origin: germline.

Ambry Genetics
Classification: Likely benign for Hereditary pulmonary alveolar proteinosis. Last evaluated: 2024-03-08. Review status: criteria provided, single submitter. Criteria: Ambry Variant Classification Scheme 2023. Collection method: clinical testing. Allele origin: germline.

Laboratory for Molecular Medicine, Mass General Brigham Personalized Medicine
Classification: Likely benign. Last evaluated: 2014-11-12. Review status: criteria provided, single submitter. Criteria: LMM Criteria. Collection method: clinical testing. Allele origin: germline. Observed: 1 variant allele.
Comment: p.Thr1556Thr in exon 30 of ABCA3: This variant is not expected to have clinical significance because it does not alter an amino acid residue and is not located within the splice consensus sequence.

NM_001089.3(ABCA3):c.4668C>T (p.Thr1556=)

Gene: ABCA3 (ATP binding cassette subfamily A member 3; minus strand). Cytogenetic location: 16p13.3.
Variant type: single nucleotide variant.
Coding change: c.4668C>T on transcript NM_001089.3 (MANE Select); coding-DNA position 4668, C replaced by T.
Protein change: p.Thr1556=; no amino-acid change (threonine 1556 retained).
Molecular consequence: synonymous variant.
Genome position (GRCh38, 1-based): chr16:2,278,338, G>A on the plus strand (C>T on the coding strand, the complement: ABCA3 is on the minus strand). VCF-style: chr16-2278338-G-A. GRCh37 (hg19) VCF-style: chr16-2328339-G-A.
Identifiers: ClinVar variation 162670 (VCV000162670.9), dbSNP rs727502872, ClinGen allele CA175138.